The following is an entry in ClinVar:

ClinVar aggregate classification (germline): Pathogenic (1 of 4 stars; one submission).

Conditions:
Neuronopathy, distal hereditary motor, autosomal dominant 11. Also called: NEUROPATHY, DISTAL HEREDITARY MOTOR, 11. Identifiers: MedGen C5882697, MONDO:0957875, OMIM 620528.

Submission:

Institute of Human Genetics, University of Leipzig Medical Center
Classification: Pathogenic for Neuronopathy, distal hereditary motor, autosomal dominant 11. Last evaluated: 2025-03-18. Review status: criteria provided, single submitter. Criteria: ACMG Guidelines, 2015. Collection method: clinical testing. Allele origin: unknown. Inheritance: Autosomal dominant inheritance. Affected: yes.
Comment: Criteria applied: PVS1,PM2

NM_001130438.3(SPTAN1):c.2848C>T (p.Arg950Ter)

Gene: SPTAN1 (spectrin alpha, non-erythrocytic 1; plus strand). Cytogenetic location: 9q34.11.
Variant type: single nucleotide variant.
Coding change: c.2848C>T on transcript NM_001130438.3 (MANE Select); coding-DNA position 2848, C replaced by T.
Protein change: p.Arg950Ter; replaces arginine 950 with a stop codon.
Molecular consequence: nonsense.
Genome position (GRCh38, 1-based): chr9:128,587,675, C>T. VCF-style: chr9-128587675-C-T. GRCh37 (hg19) VCF-style: chr9-131349954-C-T.
Other names: c.2848C>T, p.Arg950Ter (NM_001195532.2, NM_001363759.2, NM_001363765.2 and 5 more transcripts); c.2884C>T, p.Arg962Ter (NM_001375312.2, NM_001375318.1); short protein forms R950*, R962*.
Identifiers: ClinVar variation 3778735 (VCV003778735.1).